The following is an entry in ClinVar:

NM_007289.4(MME):c.436_439+1delinsC

Gene: MME (membrane metalloendopeptidase; plus strand). Cytogenetic location: 3q25.2.
Variant type: Indel.
Coding change: c.436_439+1delinsC on transcript NM_007289.4 (MANE Select); coding-DNA position 436 through the canonical splice donor site of the intron after coding-DNA position 439, GAATG replaced by C.
Molecular consequence: splice donor variant.
Genome position (GRCh38, 1-based): chr3:155,116,556-155,116,560, GAATG replaced by C. VCF-style: chr3-155116556-GAATG-C. GRCh37 (hg19) VCF-style: chr3-154834345-GAATG-C.
Other names: c.436_439+1delinsC (NM_001354642.2, NM_000902.5, NM_007287.4 and 2 more transcripts).
Identifiers: ClinVar variation 965314 (VCV000965314.5), dbSNP rs1718622890, ClinGen allele CA1139658311.
Genomic context (GRCh38, chr3:155,116,556, plus strand): 5'-AAAACTGAAGATATAGTAGCAGTGCAGAAAGCAAAAGCATTGTACAGGTCTTGTATAAAT[GAATG>C]TAAGTGCTCTTCATTTGATTTCATTAGGAGTATATATATATATATATTGGTGCCAAACTA-3'

ClinVar aggregate classification (germline): Likely pathogenic (1 of 4 stars; one submission).

Submission:

Labcorp Genetics (formerly Invitae), Labcorp
Classification: Likely pathogenic. Last evaluated: 2024-03-27. Review status: criteria provided, single submitter. Criteria: Invitae Variant Classification Sherloc (09022015). Collection method: clinical testing. Allele origin: germline.
Comment: This variant results in the deletion of part of exon 5 (c.436_439+1delinsC) of the MME gene. It is expected to disrupt RNA splicing. Variants that disrupt the donor or acceptor splice site typically lead to a loss of protein function (PMID: 16199547), and loss-of-function variants in MME are known to be pathogenic (PMID: 26991897). This variant is not present in population databases (gnomAD no frequency). This variant has not been reported in the literature in individuals affected with MME-related conditions. In summary, the currently available evidence indicates that the variant is pathogenic, but additional data are needed to prove that conclusively. Therefore, this variant has been classified as Likely Pathogenic.

Literature cited by the submitters: PubMed 16199547; PubMed 26991897.